The following is an entry in ClinVar:

ClinVar aggregate classification (germline): Benign/Likely benign. Review status: criteria provided, multiple submitters, no conflicts (2 of 4 stars). 7 submissions from 7 submitters: Benign (1); Likely benign (5). 1 of the submissions does not count toward it. Last evaluated 2026-01-19.

Conditions:
MSH6-related disorder. Also called: MSH6-related condition; MSH6-Related disorders.
Hereditary nonpolyposis colorectal neoplasms. Identifiers: MedGen C0009405, MeSH D003123.
Hereditary cancer-predisposing syndrome. Also called: Hereditary neoplastic syndrome; Neoplastic Syndromes, Hereditary; Tumor predisposition; Hereditary Cancer Syndrome. Identifiers: Orphanet 140162, MedGen C0027672, MeSH D009386, MONDO:0015356.
Lynch syndrome. Identifiers: Orphanet 144, MedGen C4552100, MONDO:0005835. Disease mechanism: loss of function.
Lynch syndrome 5 (LYNCH5). Also called: Hereditary non-polyposis colorectal cancer, type 5; Colorectal cancer, hereditary nonpolyposis, type 5. Identifiers: Orphanet 144, MedGen C1833477, MONDO:0013710, OMIM 614350. Disease mechanism: loss of function.

Allele frequency attached by ClinVar (database versions not stated): gnomAD exomes 0.00001 and 0.00003; ExAC 0.00003; TOPMed 0.00008; gnomAD 0.00009.
gnomAD v4.1: 23 of 1,614,028 alleles (0.0014%); highest among the groups gnomAD compares: African/African-American, 0.023%; no homozygotes.

Submissions (7):

Labcorp Genetics (formerly Invitae), Labcorp
Classification: Likely benign for Hereditary nonpolyposis colorectal neoplasms. Last evaluated: 2026-01-19. Review status: criteria provided, single submitter. Criteria: Invitae Variant Classification Sherloc (09022015). Collection method: clinical testing. Allele origin: germline.

Myriad Genetics, Inc.
Classification: Benign for Lynch syndrome 5. Last evaluated: 2024-12-23. Review status: criteria provided, single submitter. Criteria: Myriad Autosomal Dominant, Autosomal Recessive and X-Linked Classification Criteria (2023). Collection method: clinical testing. Allele origin: unknown.
Comment: This variant is considered benign. This variant is a silent/synonymous amino acid change and it is not expected to impact splicing.

All of Us Research Program, National Institutes of Health
Classification: Likely benign for Lynch syndrome. Last evaluated: 2024-02-05. Review status: criteria provided, single submitter. Criteria: ACMG Guidelines, 2015. Collection method: clinical testing. Allele origin: germline. Inheritance: Autosomal dominant inheritance. Observed: 4 variant alleles, 4 heterozygotes.
Comment: This study involves interpretation of variants in research participants for the purpose of population health screening. Participant phenotype was not available at the time of variant classification. Additional details can be found in publication PMID: 35346344, PMCID: PMC8962531

GeneDx
Classification: Likely benign. Last evaluated: 2020-10-19. Review status: criteria provided, single submitter. Criteria: GeneDx Variant Classification Process June 2021. Collection method: clinical testing. Allele origin: germline. Affected: yes.

Color Diagnostics, LLC DBA Color Health
Classification: Likely benign for Hereditary cancer-predisposing syndrome. Last evaluated: 2016-06-22. Review status: criteria provided, single submitter. Criteria: ACMG Guidelines, 2015. Collection method: clinical testing. Allele origin: germline.

Ambry Genetics
Classification: Likely benign for Hereditary cancer-predisposing syndrome. Last evaluated: 2014-09-10. Review status: criteria provided, single submitter. Criteria: Ambry Variant Classification Scheme 2023. Collection method: clinical testing. Allele origin: germline.

PreventionGenetics, part of Exact Sciences
Classification: Likely benign for MSH6-related condition. Last evaluated: 2023-01-26. Review status: no assertion criteria provided. Collection method: clinical testing. Allele origin: germline. Not counted in ClinVar's aggregate classification.
Comment: This variant is classified as likely benign based on ACMG/AMP sequence variant interpretation guidelines (Richards et al. 2015 PMID: 25741868, with internal and published modifications).

NM_000179.3(MSH6):c.1245G>A (p.Gln415=)

Gene: MSH6 (mutS homolog 6; plus strand). Cytogenetic location: 2p16.3.
Variant type: single nucleotide variant.
Coding change: c.1245G>A on transcript NM_000179.3 (MANE Select); coding-DNA position 1245, G replaced by A.
Protein change: p.Gln415=; no amino-acid change (glutamine 415 retained).
Molecular consequence: synonymous variant.
Genome position (GRCh38, 1-based): chr2:47,799,228, G>A. VCF-style: chr2-47799228-G-A. GRCh37 (hg19) VCF-style: chr2-48026367-G-A.
Other names: c.855G>A, p.Gln285= (NM_001281492.2); c.339G>A, p.Gln113= (NM_001281493.2, NM_001281494.2).
Identifiers: ClinVar variation 186190 (VCV000186190.24), dbSNP rs769418914, ClinGen allele CA008363.
Genomic context (GRCh38, chr2:47,799,228, plus strand): 5'-ACTCTATGTGCCTGAGGATTTCCTCAATTCTTGTACTCCTGGGATGAGGAAGTGGTGGCA[G>A]ATTAAGTCTCAGAACTTTGATCTTGTCATCTGTTACAAGGTGGGGAAATTTTATGAGCTG-3'
Protein context (NP_000170.1, residues 405-425): SCTPGMRKWW[Gln415=]IKSQNFDLVI